The following is an entry in ClinVar:

NM_004168.4(SDHA):c.852C>G (p.Gly284=)

Gene: SDHA (succinate dehydrogenase complex flavoprotein subunit A; plus strand). Cytogenetic location: 5p15.33.
Variant type: single nucleotide variant.
Coding change: c.852C>G on transcript NM_004168.4 (MANE Select); coding-DNA position 852, C replaced by G.
Protein change: p.Gly284=; no amino-acid change (glycine 284 retained).
Molecular consequence: synonymous variant.
Genome position (GRCh38, 1-based): chr5:230,957, C>G. VCF-style: chr5-230957-C-G. GRCh37 (hg19) VCF-style: chr5-231072-C-G.
Other names: c.852C>G (NM_004168.2); c.708C>G, p.Gly236= (NM_001294332.2); c.852C>G, p.Gly284= (NM_001330758.2).
Identifiers: ClinVar variation 472411 (VCV000472411.15), dbSNP rs552108762, ClinGen allele CA3173008.

ClinVar aggregate classification (germline): Benign/Likely benign. Review status: criteria provided, multiple submitters, no conflicts (2 of 4 stars). 3 submissions from 3 submitters: Benign (1); Likely benign (2). Last evaluated 2025-07-29.

Conditions:
Hereditary cancer-predisposing syndrome. Also called: Neoplastic Syndromes, Hereditary; Hereditary Cancer Syndrome; Hereditary neoplastic syndrome; Tumor predisposition. Identifiers: Orphanet 140162, MedGen C0027672, MeSH D009386, MONDO:0015356.
Pheochromocytoma/paraganglioma syndrome 5. Also called: Paragangliomas 5; SDHA-Related Hereditary Paraganglioma-Pheochromocytoma Syndrome. Identifiers: Orphanet 29072, MedGen C3279992, MONDO:0013602, OMIM 614165.
Mitochondrial complex II deficiency, nuclear type 1. Also called: SUCCINATE CoQ REDUCTASE DEFICIENCY. Identifiers: Orphanet 3208, MedGen C5700310, MONDO:0100294, OMIM 252011.

Allele frequency attached by ClinVar (database versions not stated): ExAC 0.00001; gnomAD exomes 0.00001; TOPMed 0.00001.
gnomAD v4.1: 11 of 1,613,890 alleles (0.00068%); highest among the groups gnomAD compares: South Asian, 0.0088%; no homozygotes.

Submissions (3):

Labcorp Genetics (formerly Invitae), Labcorp
Classification: Likely benign for Pheochromocytoma/paraganglioma syndrome 5; Mitochondrial complex II deficiency, nuclear type 1. Last evaluated: 2025-07-29. Review status: criteria provided, single submitter. Criteria: Invitae Variant Classification Sherloc (09022015). Collection method: clinical testing. Allele origin: germline.

Myriad Genetics, Inc.
Classification: Benign for Pheochromocytoma/paraganglioma syndrome 5. Last evaluated: 2025-03-03. Review status: criteria provided, single submitter. Criteria: Myriad Autosomal Dominant, Autosomal Recessive and X-Linked Classification Criteria (2023). Collection method: clinical testing. Allele origin: unknown.
Comment: This variant is considered benign. This variant is a silent/synonymous amino acid change and it is not expected to impact splicing.

Ambry Genetics
Classification: Likely benign for Hereditary cancer-predisposing syndrome. Last evaluated: 2023-08-12. Review status: criteria provided, single submitter. Criteria: Ambry Variant Classification Scheme 2023. Collection method: clinical testing. Allele origin: germline.